The following is an entry in ClinVar:

NM_001164760.2(PRKAR1B):c.528C>T (p.Val176=)

Genes: PRKAR1B (protein kinase cAMP-dependent type I regulatory subunit beta; minus strand), PRKAR1B-AS1 (PRKAR1B antisense RNA 1; plus strand). Cytogenetic location: 7p22.3.
Variant type: single nucleotide variant.
Coding change: c.528C>T on transcript NM_001164760.2 (MANE Select); coding-DNA position 528, C replaced by T.
Protein change: p.Val176=; no amino-acid change (valine 176 retained).
Molecular consequence: synonymous variant.
Genome position (GRCh38, 1-based): chr7:606,214, G>A on the plus strand (C>T on the coding strand, the complement: PRKAR1B is on the minus strand). VCF-style: chr7-606214-G-A. GRCh37 (hg19) VCF-style: chr7-645851-G-A.
Other names: c.528C>T, p.Val176= (NM_001164758.2, NM_001164759.1, NM_001164761.2 and 2 more transcripts).
Identifiers: ClinVar variation 3050103 (VCV003050103.2), dbSNP rs201266818, ClinGen allele CA4110089.

ClinVar aggregate classification (germline): Likely benign (0 of 4 stars; one submission).

Conditions:
PRKAR1B-related disorder. Also called: PRKAR1B-related condition.

Allele frequency attached by ClinVar (database versions not stated): ESP Exome Variant Server 0.00008; 1000 Genomes Project 0.00020; 1000 Genomes Project 30x 0.00047.
gnomAD v4.1: 140 of 1,613,888 alleles (0.0087%); highest among the groups gnomAD compares: Admixed American, 0.03%; no homozygotes.

Submission:

PreventionGenetics, part of Exact Sciences
Classification: Likely benign for PRKAR1B-related condition. Last evaluated: 2019-07-10. Review status: no assertion criteria provided. Collection method: clinical testing. Allele origin: germline.
Comment: This variant is classified as likely benign based on ACMG/AMP sequence variant interpretation guidelines (Richards et al. 2015 PMID: 25741868, with internal and published modifications).